The following is an entry in ClinVar:

ClinVar aggregate classification (germline): Benign. Review status: criteria provided, multiple submitters, no conflicts (2 of 4 stars). 7 submissions from 7 submitters: Benign (6). 1 of the submissions does not count toward it. Last evaluated 2026-01-28.

Conditions:
EPAS1-related disorder. Also called: EPAS1-related condition.
Erythrocytosis, familial, 4 (ECYT4). Identifiers: Orphanet 247511, MedGen C2673187, MONDO:0012729, OMIM 611783.

Allele frequency attached by ClinVar (database versions not stated): gnomAD exomes 0.00395 and 0.01101; 1000 Genomes Project 30x 0.05340; ExAC 0.01328; gnomAD 0.04391 and 0.04100; ESP Exome Variant Server 0.04675; TOPMed 0.04626; 1000 Genomes Project 0.05092.
gnomAD v4.1: 12,294 of 1,614,120 alleles (0.76%); highest among the groups gnomAD compares: African/African-American, 14%; 782 homozygotes.

Submissions (7):

Labcorp Genetics (formerly Invitae), Labcorp
Classification: Benign. Last evaluated: 2026-01-28. Review status: criteria provided, single submitter. Criteria: Invitae Variant Classification Sherloc (09022015). Collection method: clinical testing. Allele origin: germline.

Mayo Clinic Laboratories, Mayo Clinic
Classification: Benign. Last evaluated: 2025-08-15. Review status: criteria provided, single submitter. Criteria: ACMG Guidelines, 2015. Collection method: clinical testing. Allele origin: germline. Observed: 3 variant alleles.
Comment: BA1, BS1, BP4

ARUP Laboratories, Molecular Genetics and Genomics, ARUP Laboratories
Classification: Benign for Erythrocytosis, familial, 4. Last evaluated: 2023-05-09. Review status: criteria provided, single submitter. Criteria: ARUP Molecular Germline Variant Investigation Process 2024. Collection method: clinical testing. Allele origin: germline.

GeneDx
Classification: Benign. Last evaluated: 2018-06-22. Review status: criteria provided, single submitter. Criteria: GeneDx Variant Classification Process June 2021. Collection method: clinical testing. Allele origin: germline. Affected: yes.

Illumina Laboratory Services, Illumina
Classification: Benign for Erythrocytosis, familial, 4. Last evaluated: 2018-01-12. Review status: criteria provided, single submitter. Criteria: ICSL Variant Classification Criteria 13 December 2019. Collection method: clinical testing. Allele origin: germline.
Comment: This variant was observed in the ICSL laboratory as part of a predisposition screen in an ostensibly healthy population. It had not been previously curated by ICSL or reported in the Human Gene Mutation Database (HGMD: prior to June 1st, 2018), and was therefore a candidate for classification through an automated scoring system. Utilizing variant allele frequency, disease prevalence and penetrance estimates, and inheritance mode, an automated score was calculated to assess if this variant is too frequent to cause the disease. Based on the score and internal cut-off values, a variant classified as benign is not then subjected to further curation. The score for this variant resulted in a classification of benign for this disease.

Breakthrough Genomics
Classification: Benign. Review status: criteria provided, single submitter. Criteria: ACMG Guidelines, 2015. Collection method: not provided. Allele origin: germline. Inheritance: Autosomal dominant inheritance. Affected: yes.

PreventionGenetics, part of Exact Sciences
Classification: Benign for EPAS1-related condition. Last evaluated: 2019-10-28. Review status: no assertion criteria provided. Collection method: clinical testing. Allele origin: germline. Not counted in ClinVar's aggregate classification.
Comment: This variant is classified as benign based on ACMG/AMP sequence variant interpretation guidelines (Richards et al. 2015 PMID: 25741868, with internal and published modifications).

NM_001430.5(EPAS1):c.2353C>A (p.Pro785Thr)

Gene: EPAS1 (endothelial PAS domain protein 1; plus strand). Cytogenetic location: 2p21.
Variant type: single nucleotide variant.
Coding change: c.2353C>A on transcript NM_001430.5 (MANE Select); coding-DNA position 2353, C replaced by A.
Protein change: p.Pro785Thr; replaces proline 785 with threonine.
Molecular consequence: missense variant.
Genome position (GRCh38, 1-based): chr2:46,382,490, C>A. VCF-style: chr2-46382490-C-A. GRCh37 (hg19) VCF-style: chr2-46609629-C-A.
Other names: short protein forms P785T.
Identifiers: ClinVar variation 336275 (VCV000336275.14), dbSNP rs61518065, ClinGen allele CA1645323.